The following is an entry in ClinVar:

ClinVar aggregate classification (germline): Uncertain significance (1 of 4 stars; one submission).

Conditions:
Dilated cardiomyopathy 1W (CMD1W). Identifiers: Orphanet 154, MedGen C1969639, MONDO:0012667, OMIM 611407.

Allele frequency attached by ClinVar (database versions not stated): gnomAD exomes below 0.00001; TOPMed below 0.00001.
gnomAD v4.1: 1 of 1,614,190 alleles (0.000062%); highest among the groups gnomAD compares: Non-Finnish European, 0.000085%; no homozygotes.

Submission:

Labcorp Genetics (formerly Invitae), Labcorp
Classification: Uncertain significance for Dilated cardiomyopathy 1W. Last evaluated: 2023-09-26. Review status: criteria provided, single submitter. Criteria: Invitae Variant Classification Sherloc (09022015). Collection method: clinical testing. Allele origin: germline.
Comment: In summary, the available evidence is currently insufficient to determine the role of this variant in disease. Therefore, it has been classified as a Variant of Uncertain Significance. An algorithm developed to predict the effect of missense changes on protein structure and function (PolyPhen-2) suggests that this variant is likely to be tolerated. This variant has not been reported in the literature in individuals affected with VCL-related conditions. This variant is not present in population databases (gnomAD no frequency). This sequence change replaces leucine, which is neutral and non-polar, with serine, which is neutral and polar, at codon 412 of the VCL protein (p.Leu412Ser).

NM_014000.3(VCL):c.1235T>C (p.Leu412Ser)

Gene: VCL (vinculin; plus strand). Cytogenetic location: 10q22.2.
Variant type: single nucleotide variant.
Coding change: c.1235T>C on transcript NM_014000.3 (MANE Select); coding-DNA position 1235, T replaced by C.
Protein change: p.Leu412Ser; replaces leucine 412 with serine.
Molecular consequence: missense variant.
Genome position (GRCh38, 1-based): chr10:74,090,081, T>C. VCF-style: chr10-74090081-T-C. GRCh37 (hg19) VCF-style: chr10-75849839-T-C.
Other names: c.1235T>C, p.Leu412Ser (NM_003373.4); short protein forms L412S.
Identifiers: ClinVar variation 2801321 (VCV002801321.3), dbSNP rs1839854548, ClinGen allele CA377273184.